The following is an entry in ClinVar:

ClinVar aggregate classification (germline): Uncertain significance (1 of 4 stars; one submission).

Conditions:
Cardiovascular phenotype. Identifiers: MedGen CN230736.

gnomAD v4.1: 1 of 1,550,014 alleles (0.000065%); highest among the groups gnomAD compares: Middle Eastern, 0.017%; no homozygotes.

Submission:

Ambry Genetics
Classification: Uncertain significance for Cardiovascular phenotype. Last evaluated: 2025-05-30. Review status: criteria provided, single submitter. Criteria: Ambry Variant Classification Scheme 2023. Collection method: clinical testing. Allele origin: germline.
Comment: The p.V3628E variant (also known as c.10883T>A), located in coding exon 2 of the ZNF469 gene, results from a T to A substitution at nucleotide position 10883. The valine at codon 3628 is replaced by glutamic acid, an amino acid with dissimilar properties. This amino acid position is conserved. In addition, this alteration is predicted to be tolerated by in silico analysis. Based on the available evidence, the clinical significance of this variant remains unclear.

NM_001367624.2(ZNF469):c.10967T>A (p.Val3656Glu)

Gene: ZNF469 (zinc finger protein 469; plus strand). Cytogenetic location: 16q24.2.
Variant type: single nucleotide variant.
Coding change: c.10967T>A on transcript NM_001367624.2 (MANE Select); coding-DNA position 10967, T replaced by A.
Protein change: p.Val3656Glu; replaces valine 3656 with glutamic acid.
Molecular consequence: missense variant.
Genome position (GRCh38, 1-based): chr16:88,438,437, T>A. VCF-style: chr16-88438437-T-A. GRCh37 (hg19) VCF-style: chr16-88504845-T-A.
Other names: NM_001127464.1:c.10883T>A; short protein forms V3656E.
Identifiers: ClinVar variation 3987370 (VCV003987370.1).
Genomic context (GRCh38, chr16:88,438,437, plus strand): 5'-ACCATTTCCAGGAAGACCACCTACTTCAGAAAGAGAAGGAGGTGTCCTCAAGCCACATGG[T>A]GTCTGAGGGGGGGCCCCGAGGCGCCTTCCACAAGGGCAGCGCCACCAAGCCTGCGGGCTG-3'
Protein context (NP_001354553.1, residues 3646-3666): KEKEVSSSHM[Val3656Glu]SEGGPRGAFH